The following is an entry in ClinVar:

NM_000268.4(NF2):c.1000-212_1000-210del

Gene: NF2 (NF2, moesin-ezrin-radixin like (MERLIN) tumor suppressor; plus strand). Cytogenetic location: 22q12.2.
Variant type: Deletion.
Coding change: c.1000-212_1000-210del on transcript NM_000268.4 (MANE Select); 212 bases into the intron before coding-DNA position 1000 through 210 bases into the intron before coding-DNA position 1000, 3 bases deleted (TAG; older notation c.1000-212_1000-210delTAG).
Molecular consequence: intron variant.
Genome position (GRCh38, 1-based): chr22:29,671,614-29,671,616, TAG deleted. VCF-style (leftmost placement, unchanged base first): chr22-29671613-CTAG-C. GRCh37 (hg19) VCF-style: chr22-30067602-CTAG-C.
Other names: c.1000-212_1000-210del (NM_016418.5, NM_181832.3, NM_181825.3); c.448-23138_448-23136del (NM_181833.3); c.877-212_877-210del (NM_181829.3); c.874-212_874-210del (NM_181828.3); c.751-212_751-210del (NM_181830.3, NM_181831.3); c.1000-212_1000-210delTAG (NM_000268.3).
Identifiers: ClinVar variation 676992 (VCV000676992.1), dbSNP rs4034748, ClinGen allele CA323115824.
Genomic context (GRCh38, chr22:29,671,613, plus strand): 5'-TTTTCTATCCGGGTCAAGACTCAACAGGTTTTTATTGTTTGTTCATTTGTTCATTCACCA[CTAG>C]ACTGTTTTTCAAGTGGCACAGCTTTCAACTCTGCAACTGGTTTAGAAGGACGGGGTGGGG-3'

ClinVar aggregate classification (germline): Benign (1 of 4 stars; one submission).

Allele frequency attached by ClinVar (database versions not stated): gnomAD 0.02736 and 0.02906; TOPMed 0.03112; 1000 Genomes Project 0.03614; 1000 Genomes Project 30x 0.04060.

Submission:

GeneDx
Classification: Benign. Last evaluated: 2018-06-19. Review status: criteria provided, single submitter. Criteria: GeneDx Variant Classification (06012015). Collection method: clinical testing. Allele origin: germline. Affected: yes.
Comment: This variant is considered likely benign or benign based on one or more of the following criteria: it is a conservative change, it occurs at a poorly conserved position in the protein, it is predicted to be benign by multiple in silico algorithms, and/or has population frequency not consistent with disease.